The following is an entry in ClinVar:

ClinVar aggregate classification (germline): Uncertain significance. Review status: criteria provided, multiple submitters, no conflicts (2 of 4 stars). 4 submissions from 4 submitters: Uncertain significance (3). 1 of the submissions does not count toward it. Last evaluated 2025-10-29.

Conditions:
Walker-Warburg congenital muscular dystrophy. Also called: Muscular dystrophy-dystroglycanopathy, type A; Walker-Warburg syndrome. Identifiers: Orphanet 899, MedGen C0265221, MONDO:0000171.
Cardiovascular phenotype. Identifiers: MedGen CN230736.
Autosomal recessive limb-girdle muscular dystrophy type 2I. Also called: MUSCULAR DYSTROPHY-DYSTROGLYCANOPATHY (LIMB-GIRDLE), TYPE C, 5; MUSCULAR DYSTROPHY, LIMB-GIRDLE, TYPE 2I; MUSCULAR DYSTROPHY-DYSTROGLYCANOPATHY, LIMB-GIRDLE, FRKP-RELATED. Identifiers: Orphanet 34515, MedGen C1846672, MONDO:0011787, OMIM 607155.

Allele frequency attached by ClinVar (database versions not stated): ExAC below 0.00001; gnomAD 0.00001; gnomAD exomes 0.00001 and 0.00002; TOPMed 0.00002.
gnomAD v4.1: 14 of 1,539,222 alleles (0.00091%); highest among the groups gnomAD compares: East Asian, 0.0024%; no homozygotes.

Submissions (4):

Ambry Genetics
Classification: Uncertain significance for Cardiovascular phenotype. Last evaluated: 2025-10-29. Review status: criteria provided, single submitter. Criteria: Ambry Variant Classification Scheme 2023. Collection method: clinical testing. Allele origin: germline.
Comment: The p.Q105H variant (also known as c.315G>T), located in coding exon 1 of the FKRP gene, results from a G to T substitution at nucleotide position 315. The glutamine at codon 105 is replaced by histidine, an amino acid with highly similar properties. This amino acid position is conserved. In addition, this alteration is predicted to be tolerated by in silico analysis. Since supporting evidence is limited at this time, the clinical significance of this alteration remains unclear.

Labcorp Genetics (formerly Invitae), Labcorp
Classification: Uncertain significance for Walker-Warburg congenital muscular dystrophy. Last evaluated: 2022-05-14. Review status: criteria provided, single submitter. Criteria: Invitae Variant Classification Sherloc (09022015). Collection method: clinical testing. Allele origin: germline.
Comment: This sequence change replaces glutamine, which is neutral and polar, with histidine, which is basic and polar, at codon 105 of the FKRP protein (p.Gln105His). The frequency data for this variant in the population databases is considered unreliable, as metrics indicate poor data quality at this position in the gnomAD database. This variant has not been reported in the literature in individuals affected with FKRP-related conditions. ClinVar contains an entry for this variant (Variation ID: 958437). Algorithms developed to predict the effect of missense changes on protein structure and function output the following: SIFT: "Tolerated"; PolyPhen-2: "Benign"; Align-GVGD: "Class C0". The histidine amino acid residue is found in multiple mammalian species, which suggests that this missense change does not adversely affect protein function. In summary, the available evidence is currently insufficient to determine the role of this variant in disease. Therefore, it has been classified as a Variant of Uncertain Significance.

Revvity Omics, Revvity
Classification: Uncertain significance. Last evaluated: 2020-08-12. Review status: criteria provided, single submitter. Criteria: ACMG Guidelines, 2015. Collection method: clinical testing. Allele origin: germline.

Natera, Inc.
Classification: Uncertain significance for Limb-girdle muscular dystrophy type 2I. Last evaluated: 2020-03-17. Review status: no assertion criteria provided. Collection method: clinical testing. Allele origin: germline. Not counted in ClinVar's aggregate classification.

NM_024301.5(FKRP):c.315G>T (p.Gln105His)

Gene: FKRP (fukutin related protein; plus strand). Cytogenetic location: 19q13.32.
Variant type: single nucleotide variant.
Coding change: c.315G>T on transcript NM_024301.5 (MANE Select); coding-DNA position 315, G replaced by T.
Protein change: p.Gln105His; replaces glutamine 105 with histidine.
Molecular consequence: missense variant.
Genome position (GRCh38, 1-based): chr19:46,755,765, G>T. VCF-style: chr19-46755765-G-T. GRCh37 (hg19) VCF-style: chr19-47259022-G-T.
Other names: c.315G>T, p.Gln105His (NM_001039885.3); short protein forms Q105H.
Identifiers: ClinVar variation 958437 (VCV000958437.13), dbSNP rs765444642, ClinGen allele CA9532141.